The following is an entry in ClinVar:

ClinVar aggregate classification (germline): Uncertain significance. Review status: criteria provided, multiple submitters, no conflicts (2 of 4 stars). 3 submissions from 3 submitters: Uncertain significance (3). Last evaluated 2026-10-01.

Conditions:
Pleuropulmonary blastoma (PPB). Identifiers: Orphanet 64742, MedGen C1266144, MONDO:0011014, OMIM 601200, HP:0100528.
DICER1-related tumor predisposition. Also called: DICER1-related pleuropulmonary blastoma cancer predisposition syndrome; DICER1 syndrome. Identifiers: Orphanet 284343, MedGen C3839822, MONDO:0100216.
Hereditary cancer-predisposing syndrome. Also called: Hereditary Cancer Syndrome; Tumor predisposition; Neoplastic Syndromes, Hereditary; Hereditary neoplastic syndrome. Identifiers: Orphanet 140162, MedGen C0027672, MeSH D009386, MONDO:0015356.

Submissions (3):

St. Jude Molecular Pathology, St. Jude Children's Research Hospital
Classification: Uncertain significance for Pleuropulmonary blastoma. Last evaluated: 2026-10-01. Review status: criteria provided, single submitter. Criteria: St. Jude Assertion Criteria 2020. Collection method: clinical testing. Allele origin: germline.
Comment: The DICER1 c.2540C>T p.(Thr847Ile) missense change is absent in gnomAD v2.1.1. The in silico tool REVEL is inconclusive about a pathogenic or benign effect of this variant on protein function, and to our knowledge functional studies have not been performed. To our knowledge, this variant has not been repor ted in individuals with DICER1 syndrome. In summary, the evidence currently available is insufficient to determine the clinical significance of this variant. It has therefore been classified as of uncertain significance (VUS-low).

Labcorp Genetics (formerly Invitae), Labcorp
Classification: Uncertain significance for DICER1-related tumor predisposition. Last evaluated: 2025-09-16. Review status: criteria provided, single submitter. Criteria: Invitae Variant Classification Sherloc (09022015). Collection method: clinical testing. Allele origin: germline.
Comment: This sequence change replaces threonine, which is neutral and polar, with isoleucine, which is neutral and non-polar, at codon 847 of the DICER1 protein (p.Thr847Ile). This variant is not present in population databases (gnomAD no frequency). This variant has not been reported in the literature in individuals affected with DICER1-related conditions. ClinVar contains an entry for this variant (Variation ID: 821453). Invitae Evidence Modeling of protein sequence and biophysical properties (such as structural, functional, and spatial information, amino acid conservation, physicochemical variation, residue mobility, and thermodynamic stability) indicates that this missense variant is not expected to disrupt DICER1 protein function with a negative predictive value of 95%. In summary, the available evidence is currently insufficient to determine the role of this variant in disease. Therefore, it has been classified as a Variant of Uncertain Significance.

Ambry Genetics
Classification: Uncertain significance for Hereditary cancer-predisposing syndrome. Last evaluated: 2023-11-14. Review status: criteria provided, single submitter. Criteria: Ambry Variant Classification Scheme 2023. Collection method: clinical testing. Allele origin: germline.
Comment: The p.T847I variant (also known as c.2540C>T), located in coding exon 15 of the DICER1 gene, results from a C to T substitution at nucleotide position 2540. The threonine at codon 847 is replaced by isoleucine, an amino acid with similar properties. This amino acid position is highly conserved in available vertebrate species. In addition, this alteration is predicted to be deleterious by in silico analysis. Since supporting evidence is limited at this time, the clinical significance of this alteration remains unclear.

NM_177438.3(DICER1):c.2540C>T (p.Thr847Ile)

Gene: DICER1 (dicer 1, ribonuclease III; minus strand). Cytogenetic location: 14q32.13.
Variant type: single nucleotide variant.
Coding change: c.2540C>T on transcript NM_177438.3 (MANE Select); coding-DNA position 2540, C replaced by T.
Protein change: p.Thr847Ile; replaces threonine 847 with isoleucine.
Molecular consequence: missense variant.
Genome position (GRCh38, 1-based): chr14:95,107,990, G>A on the plus strand (C>T on the coding strand, the complement: DICER1 is on the minus strand). VCF-style: chr14-95107990-G-A. GRCh37 (hg19) VCF-style: chr14-95574327-G-A.
Other names: c.2540C>T, p.Thr847Ile (NM_001195573.1, NM_001271282.3, NM_001291628.2 and 1 more transcripts); short protein forms T847I.
Identifiers: ClinVar variation 821453 (VCV000821453.10), dbSNP rs1595380501, ClinGen allele CA390881787.